The following is an entry in ClinVar:

NM_052947.4(ALPK2):c.1319C>A (p.Thr440Lys)

Gene: ALPK2 (alpha kinase 2; minus strand). Cytogenetic location: 18q21.31.
Variant type: single nucleotide variant.
Coding change: c.1319C>A on transcript NM_052947.4 (MANE Select); coding-DNA position 1319, C replaced by A.
Protein change: p.Thr440Lys; replaces threonine 440 with lysine.
Molecular consequence: missense variant.
Genome position (GRCh38, 1-based): chr18:58,579,457, G>T on the plus strand (C>A on the coding strand, the complement: ALPK2 is on the minus strand). VCF-style: chr18-58579457-G-T. GRCh37 (hg19) VCF-style: chr18-56246689-G-T.
Other names: short protein forms T440K.
Identifiers: ClinVar variation 2561811 (VCV002561811.2), dbSNP rs375169016, ClinGen allele CA402563534.

ClinVar aggregate classification (germline): Uncertain significance (1 of 4 stars; one submission).

gnomAD v4.1: 1 of 1,614,074 alleles (0.000062%); highest among the groups gnomAD compares: East Asian, 0.0022%; no homozygotes.

Submission:

Ambry Genetics
Classification: Uncertain significance. Last evaluated: 2023-06-08. Review status: criteria provided, single submitter. Criteria: Ambry Variant Classification Scheme 2023. Collection method: clinical testing. Allele origin: germline.
Comment: The p.T440K variant (also known as c.1319C>A), located in coding exon 3 of the ALPK2 gene, results from a C to A substitution at nucleotide position 1319. The threonine at codon 440 is replaced by lysine, an amino acid with similar properties. This amino acid position is conserved. In addition, this alteration is predicted to be tolerated by in silico analysis. Since supporting evidence is limited at this time, the clinical significance of this alteration remains unclear.